The following is an entry in ClinVar:

ClinVar aggregate classification (germline): Likely pathogenic (1 of 4 stars; one submission).

Conditions:
Menke-Hennekam syndrome 2 (MKHK2). Identifiers: MedGen C5193035, MONDO:0020769, OMIM 618333.

Submission:

Institute for Genomic Statistics and Bioinformatics, University Hospital Bonn
Classification: Likely pathogenic for Menke-Hennekam syndrome 2. Review status: criteria provided, single submitter. Criteria: ACMG Guidelines, 2015. Collection method: clinical testing. Allele origin: de novo. Inheritance: Autosomal dominant inheritance. Affected: yes. Observed: 1 heterozygote.
Comment: The name of this missense variant is: c.7111T>A; p.(Ser2371Thr). In population-based and phenotype-based databases the above variant is not listed. The mutation prediction programs MutationTaster, PolyPhen-2 and PROVEAN classify the variant as a polymorphism, SIFT as "damaging"; the GADD score is 22.5. In order to assess the possible interference of the above variant with splice behavior, we used various programs for predicting splice locations and splice enhancers with the help of the Alamut software. The in silica analysis does not give any significant indication of a change in splice behavior. The ACMG classification of the variant is: probably pathogenic (class 4: PS2, PM2).

NM_001429.4(EP300):c.7111T>A (p.Ser2371Thr)

Gene: EP300 (EP300 lysine acetyltransferase; plus strand). Cytogenetic location: 22q13.2.
Variant type: single nucleotide variant.
Coding change: c.7111T>A on transcript NM_001429.4 (MANE Select); coding-DNA position 7111, T replaced by A.
Protein change: p.Ser2371Thr; replaces serine 2371 with threonine.
Molecular consequence: missense variant.
Genome position (GRCh38, 1-based): chr22:41,178,822, T>A. VCF-style: chr22-41178822-T-A. GRCh37 (hg19) VCF-style: chr22-41574826-T-A.
Other names: c.7033T>A, p.Ser2345Thr (NM_001362843.2); short protein forms S2345T, S2371T.
Identifiers: ClinVar variation 973766 (VCV000973766.2), dbSNP rs2059220693, ClinGen allele CA411684412.
Genomic context (GRCh38, chr22:41,178,822, plus strand): 5'-CTGGTAGCTGCCCAGGCCAACCCCATGGAACAAGGGCATTTTGCCAGCCCGGACCAGAAT[T>A]CAATGCTTTCTCAGCTTGCTAGCAATCCAGGCATGGCAAACCTCCATGGTGCAAGCGCCA-3'
Protein context (NP_001420.2, residues 2361-2381): QGHFASPDQN[Ser2371Thr]MLSQLASNPG